The following is an entry in ClinVar:

ClinVar aggregate classification (germline): Pathogenic (1 of 4 stars; one submission).

Submission:

Labcorp Genetics (formerly Invitae), Labcorp
Classification: Pathogenic. Last evaluated: 2023-07-08. Review status: criteria provided, single submitter. Criteria: Invitae Variant Classification Sherloc (09022015). Collection method: clinical testing. Allele origin: germline.
Comment: For these reasons, this variant has been classified as Pathogenic. This variant has not been reported in the literature in individuals affected with SLC38A8-related conditions. This variant is not present in population databases (gnomAD no frequency). This sequence change creates a premature translational stop signal (p.Ser266*) in the SLC38A8 gene. It is expected to result in an absent or disrupted protein product. Loss-of-function variants in SLC38A8 are known to be pathogenic (PMID: 24290379).

Literature cited by the submitters: PubMed 24290379.

NM_001080442.3(SLC38A8):c.797C>G (p.Ser266Ter)

Gene: SLC38A8 (solute carrier family 38 member 8; minus strand). Cytogenetic location: 16q23.3.
Variant type: single nucleotide variant.
Coding change: c.797C>G on transcript NM_001080442.3 (MANE Select); coding-DNA position 797, C replaced by G.
Protein change: p.Ser266Ter; replaces serine 266 with a stop codon.
Molecular consequence: nonsense.
Genome position (GRCh38, 1-based): chr16:84,022,783, G>C on the plus strand (C>G on the coding strand, the complement: SLC38A8 is on the minus strand). VCF-style: chr16-84022783-G-C. GRCh37 (hg19) VCF-style: chr16-84056388-G-C.
Other names: short protein forms S266*.
Identifiers: ClinVar variation 2738843 (VCV002738843.3), dbSNP rs2507631298, ClinGen allele CA396934773.